The following is an entry in ClinVar:

ClinVar aggregate classification (germline): Uncertain significance. Review status: criteria provided, multiple submitters, no conflicts (2 of 4 stars). 6 submissions from 6 submitters: Uncertain significance (5). 1 of the submissions does not count toward it. Last evaluated 2023-11-13.

Conditions:
Cardiovascular phenotype. Identifiers: MedGen CN230736.
Glycogen storage disease, type II (IOPD). Also called: Pompe Disease; CARDIOMEGALIA GLYCOGENICA DIFFUSA; Glycogen storage disease type 2; Acid maltase deficiency disease; Aglucosidase alfa; Deficiency of alpha-glucosidase. Identifiers: Orphanet 365, MedGen C0017921, MONDO:0009290, OMIM 232300.

Allele frequency attached by ClinVar (database versions not stated): TOPMed 0.00003.

Submissions (6):

Labcorp Genetics (formerly Invitae), Labcorp
Classification: Uncertain significance for Glycogen storage disease, type II. Last evaluated: 2023-11-13. Review status: criteria provided, single submitter. Criteria: Invitae Variant Classification Sherloc (09022015). Collection method: clinical testing. Allele origin: germline.
Comment: This sequence change replaces histidine, which is basic and polar, with aspartic acid, which is acidic and polar, at codon 708 of the GAA protein (p.His708Asp). The frequency data for this variant in the population databases is considered unreliable, as metrics indicate poor data quality at this position in the gnomAD database. This variant has not been reported in the literature in individuals affected with GAA-related conditions. ClinVar contains an entry for this variant (Variation ID: 1010232). Advanced modeling of protein sequence and biophysical properties (such as structural, functional, and spatial information, amino acid conservation, physicochemical variation, residue mobility, and thermodynamic stability) performed at Invitae indicates that this missense variant is not expected to disrupt GAA protein function with a negative predictive value of 95%. In summary, the available evidence is currently insufficient to determine the role of this variant in disease. Therefore, it has been classified as a Variant of Uncertain Significance.

Revvity Omics, Revvity
Classification: Uncertain significance. Last evaluated: 2022-06-30. Review status: criteria provided, single submitter. Criteria: ACMG Guidelines, 2015. Collection method: clinical testing. Allele origin: germline.

Genome-Nilou Lab
Classification: Uncertain significance for Glycogen storage disease, type II. Last evaluated: 2021-09-05. Review status: criteria provided, single submitter. Criteria: ACMG Guidelines, 2015. Collection method: clinical testing. Allele origin: germline. Affected: no.

Ambry Genetics
Classification: Uncertain significance for Cardiovascular phenotype. Last evaluated: 2021-07-12. Review status: criteria provided, single submitter. Criteria: Ambry Variant Classification Scheme 2023. Collection method: clinical testing. Allele origin: germline.
Comment: The p.H708D variant (also known as c.2122C>G), located in coding exon 14 of the GAA gene, results from a C to G substitution at nucleotide position 2122. The histidine at codon 708 is replaced by aspartic acid, an amino acid with similar properties. This amino acid position is conserved. In addition, the in silico prediction for this alteration is inconclusive. Since supporting evidence is limited at this time, the clinical significance of this alteration remains unclear.

GeneDx
Classification: Uncertain significance. Last evaluated: 2019-05-15. Review status: criteria provided, single submitter. Criteria: GeneDx Variant Classification Process June 2021. Collection method: clinical testing. Allele origin: germline. Affected: yes.
Comment: Has not been previously published as pathogenic or benign to our knowledge; Not observed at a significant frequency in large population cohorts (Lek et al., 2016); In silico analysis, which includes protein predictors and evolutionary conservation, supports a deleterious effect

Natera, Inc.
Classification: Uncertain significance for Glycogen storage disease type II. Last evaluated: 2020-12-18. Review status: no assertion criteria provided. Collection method: clinical testing. Allele origin: germline. Not counted in ClinVar's aggregate classification.

NM_000152.5(GAA):c.2122C>G (p.His708Asp)

Gene: GAA (alpha glucosidase; plus strand). Cytogenetic location: 17q25.3.
Variant type: single nucleotide variant.
Coding change: c.2122C>G on transcript NM_000152.5 (MANE Select); coding-DNA position 2122, C replaced by G.
Protein change: p.His708Asp; replaces histidine 708 with aspartic acid.
Molecular consequence: missense variant.
Genome position (GRCh38, 1-based): chr17:80,113,299, C>G. VCF-style: chr17-80113299-C-G. GRCh37 (hg19) VCF-style: chr17-78087098-C-G.
Other names: c.2122C>G, p.His708Asp (NM_001079803.3, NM_001079804.3); short protein forms H708D.
Identifiers: ClinVar variation 1010232 (VCV001010232.15), dbSNP rs149916476, ClinGen allele CA8815616.